The following is an entry in ClinVar:

NM_022552.5(DNMT3A):c.981G>A (p.Trp327Ter)

Gene: DNMT3A (DNA methyltransferase 3 alpha; minus strand). Cytogenetic location: 2p23.3.
Variant type: single nucleotide variant.
Coding change: c.981G>A on transcript NM_022552.5 (MANE Select); coding-DNA position 981, G replaced by A.
Protein change: p.Trp327Ter; replaces tryptophan 327 with a stop codon.
Molecular consequence: nonsense. On other transcripts: non-coding transcript variant (1).
Genome position (GRCh38, 1-based): chr2:25,247,624, C>T on the plus strand (G>A on the coding strand, the complement: DNMT3A is on the minus strand). VCF-style: chr2-25247624-C-T. GRCh37 (hg19) VCF-style: chr2-25470493-C-T.
Other names: c.525G>A, p.Trp175Ter (NM_001320893.1); c.312G>A, p.Trp104Ter (NM_001375819.1); c.414G>A, p.Trp138Ter (NM_153759.3); c.981G>A, p.Trp327Ter (NM_175629.2); short protein forms W104*, W138*, W175*, W327*.
Identifiers: ClinVar variation 3345904 (VCV003345904.1).
Genomic context (GRCh38, chr2:25,247,624, plus strand): 5'-AGGCTACTGCCAAACCCCACAACTTACCACTGAGAATTTGCCGTCTCCGAACCACATGAC[C>T]CAGCGGGTGCCTTCAGCTGCTCGGCTCCGGCCCGTCATCCACCAAGACACAATGCGGCCT-3'

ClinVar aggregate classification (germline): Likely pathogenic (0 of 4 stars; one submission).

Conditions:
DNMT3A-related disorder. Also called: DNMT3A-related condition; DNMT3A-related disorders.

gnomAD v4.1: 1 of 1,614,106 alleles (0.000062%); highest among the groups gnomAD compares: Non-Finnish European, 0.000085%; no homozygotes.

Submission:

PreventionGenetics, part of Exact Sciences
Classification: Likely pathogenic for DNMT3A-related condition. Last evaluated: 2024-09-25. Review status: no assertion criteria provided. Collection method: clinical testing. Allele origin: germline.
Comment: The DNMT3A c.981G>A variant is predicted to result in premature protein termination (p.Trp327*). To our knowledge, this variant has not been reported in the literature or in a large population database, indicating this variant is rare. Nonsense variants in DNMT3A are expected to be pathogenic. This variant is interpreted as likely pathogenic.